The following is an entry in ClinVar:

NM_000186.4(CFH):c.2018G>C (p.Cys673Ser)

Gene: CFH (complement factor H; plus strand). Cytogenetic location: 1q31.3.
Variant type: single nucleotide variant.
Coding change: c.2018G>C on transcript NM_000186.4 (MANE Select); coding-DNA position 2018, G replaced by C.
Protein change: p.Cys673Ser; replaces cysteine 673 with serine.
Molecular consequence: missense variant.
Genome position (GRCh38, 1-based): chr1:196,726,614, G>C. VCF-style: chr1-196726614-G-C. GRCh37 (hg19) VCF-style: chr1-196695744-G-C.
Other names: short protein forms C673S.
Identifiers: ClinVar variation 4291662 (VCV004291662.1).

ClinVar aggregate classification (germline): Uncertain significance (1 of 4 stars; one submission).

Conditions:
Factor H deficiency (CFHD). Also called: COMPLEMENT FACTOR H DEFICIENCY; CFH DEFICIENCY. Identifiers: Orphanet 200421, MedGen C0398777, MONDO:0012350, OMIM 609814.

Submission:

Genomenon, Inc
Classification: Uncertain significance for Factor H deficiency. Last evaluated: 2025-10-02. Review status: criteria provided, single submitter. Criteria: Genomenon Sequence Variant Interpretation Standards - Updated. Collection method: curation. Allele origin: germline. Affected: yes.
Comment: CFH p.Cys673Ser (c.2018G>C) is a missense variant that changes the amino acid at residue 673 from Cysteine to Serine. This variant has been observed in at least one proband affected with complement factor H deficiency (PMID:14978182). It is absent or not present at a significant frequency in gnomAD. In silico models agree that this variant is possibly or probably damaging. In conclusion, we classify CFH p.Cys673Ser (c.2018G>C) as a variant of uncertain significance.

Literature cited by the submitters: PubMed 14978182.